The following is an entry in ClinVar:

NM_000362.5(TIMP3):c.595G>C (p.Ala199Pro)

Genes: SYN3 (synapsin III; minus strand), TIMP3 (TIMP metallopeptidase inhibitor 3; plus strand). Cytogenetic location: 22q12.3.
Variant type: single nucleotide variant.
Coding change: c.595G>C on transcript NM_000362.5 (MANE Select); coding-DNA position 595, G replaced by C.
Protein change: p.Ala199Pro; replaces alanine 199 with proline.
Molecular consequence: missense variant. On other transcripts: intron variant (7).
Genome position (GRCh38, 1-based): chr22:32,859,336, G>C. VCF-style: chr22-32859336-G-C. GRCh37 (hg19) VCF-style: chr22-33255323-G-C.
Other names: c.708+5579C>G (NM_001369909.1, NM_001135774.2, NM_001369910.1); c.711+5579C>G (NM_001369907.1, NM_003490.4, NM_001369908.1 and 1 more transcripts); short protein forms A199P.
Identifiers: ClinVar variation 3674462 (VCV003674462.2).

ClinVar aggregate classification (germline): Uncertain significance (1 of 4 stars; one submission).

gnomAD v4.1: 18 of 1,613,114 alleles (0.0011%); highest among the groups gnomAD compares: South Asian, 0.0022%; no homozygotes.

Submission:

Labcorp Genetics (formerly Invitae), Labcorp
Classification: Uncertain significance. Last evaluated: 2024-02-23. Review status: criteria provided, single submitter. Criteria: Invitae Variant Classification Sherloc (09022015). Collection method: clinical testing. Allele origin: germline.
Comment: This sequence change replaces alanine, which is neutral and non-polar, with proline, which is neutral and non-polar, at codon 199 of the TIMP3 protein (p.Ala199Pro). This variant is present in population databases (rs757258891, gnomAD 0.003%). This variant has not been reported in the literature in individuals affected with TIMP3-related conditions. An algorithm developed to predict the effect of missense changes on protein structure and function (PolyPhen-2) suggests that this variant is likely to be disruptive. In summary, the available evidence is currently insufficient to determine the role of this variant in disease. Therefore, it has been classified as a Variant of Uncertain Significance.